The following is an entry in ClinVar:

ClinVar aggregate classification (germline): Pathogenic (1 of 4 stars; one submission).

Conditions:
Familial cancer of breast. Also called: Hereditary breast cancer; BREAST CANCER, FAMILIAL; hereditary breast carcinoma. Identifiers: Orphanet 227535, MedGen C0346153, MONDO:0016419, OMIM 114480. Disease mechanism: loss of function.
Fanconi anemia complementation group J. Also called: BRIP1-Related Fanconi Anemia. Identifiers: Orphanet 84, MedGen C1836860, MONDO:0012187, OMIM 609054.

Submission:

Labcorp Genetics (formerly Invitae), Labcorp
Classification: Pathogenic for Familial cancer of breast; Fanconi anemia complementation group J. Last evaluated: 2020-02-04. Review status: criteria provided, single submitter. Criteria: Invitae Variant Classification Sherloc (09022015). Collection method: clinical testing. Allele origin: germline.
Comment: For these reasons, this variant has been classified as Pathogenic. Loss-of-function variants in BRIP1 are known to be pathogenic (PMID: 16116423, 17033622, 21964575). This variant has not been reported in the literature in individuals with BRIP1-related conditions. This variant is not present in population databases (ExAC no frequency). This sequence change creates a premature translational stop signal (p.Lys567*) in the BRIP1 gene. It is expected to result in an absent or disrupted protein product.

Literature cited by the submitters: PubMed 16116423; PubMed 17033622; PubMed 21964575.

NM_032043.3(BRIP1):c.1699A>T (p.Lys567Ter)

Gene: BRIP1 (BRCA1 interacting DNA helicase 1; minus strand). Cytogenetic location: 17q23.2.
Variant type: single nucleotide variant.
Coding change: c.1699A>T on transcript NM_032043.3 (MANE Select); coding-DNA position 1699, A replaced by T.
Protein change: p.Lys567Ter; replaces lysine 567 with a stop codon.
Molecular consequence: nonsense.
Genome position (GRCh38, 1-based): chr17:61,780,935, T>A on the plus strand (A>T on the coding strand, the complement: BRIP1 is on the minus strand). VCF-style: chr17-61780935-T-A. GRCh37 (hg19) VCF-style: chr17-59858296-T-A.
Other names: short protein forms K567*.
Identifiers: ClinVar variation 1069754 (VCV001069754.8), dbSNP rs2145094630, ClinGen allele CA400480436.